The following is an entry in ClinVar:

ClinVar aggregate classification (germline): Uncertain significance; risk factor. Review status: no assertion criteria provided (0 of 4 stars). 2 submissions from 2 submitters: Uncertain significance (1). Last evaluated 2020-05-27.

Conditions:
Radioulnar synostosis, nonsyndromic, susceptibility to. Identifiers: MedGen C5241445, MONDO:0100183, OMIM 179300.
Radioulnar synostosis. Also called: Congenital radioulnar synostosis. Identifiers: Orphanet 3269, MedGen C0158761, MONDO:0017985, HP:0002974.

Submissions (2):

OMIM
Classification: risk factor for RADIOULNAR SYNOSTOSIS, NONSYNDROMIC, SUSCEPTIBILITY TO. Last evaluated: 2020-05-27. Review status: no assertion criteria provided. Collection method: literature only. Allele origin: germline.

The Laboratory of Genetics and Metabolism, Hunan Children’s Hospital
Classification: Uncertain significance for radioulnar synostosis. Last evaluated: 2019-05-14. Review status: no assertion criteria provided. Collection method: case-control. Allele origin: maternal, paternal. Affected: yes.
Comment: PM1, PM2, PP3, PP4, BS4

Literature cited by the submitters: PubMed 31138930 (cited by OMIM).

NM_005585.5(SMAD6):c.1304_1313dup (p.Phe439fs)

Gene: SMAD6 (SMAD family member 6; plus strand). Cytogenetic location: 15q22.31.
Variant type: Duplication.
Coding change: c.1304_1313dup on transcript NM_005585.5 (MANE Select); coding-DNA positions 1304 to 1313, 10 bases duplicated (CCATCAAGGT; older notation c.1304_1313dupCCATCAAGGT).
Protein change: p.Phe439fs; shifts the reading frame from phenylalanine 439.
Molecular consequence: frameshift variant. On other transcripts: non-coding transcript variant (1).
Genome position (GRCh38, 1-based): chr15:66,781,348-66,781,357, CCATCAAGGT duplicated; duplicating any 10 consecutive bases within chr15:66,781,347-66,781,357 gives the same sequence; the c. name uses the placement nearest the transcript's 3' end. VCF-style (leftmost placement, unchanged base first): chr15-66781346-C-CTCCATCAAGG. GRCh37 (hg19) VCF-style: chr15-67073684-C-CTCCATCAAGG.
Other names: short protein forms F439fs.
Identifiers: ClinVar variation 690427 (VCV000690427.5), dbSNP rs1595805211, ClinGen allele CA915946062.